The following is an entry in ClinVar:

NM_031372.4(HNRNPDL):c.263G>A (p.Arg88His)

Gene: HNRNPDL (heterogeneous nuclear ribonucleoprotein D like; minus strand). Cytogenetic location: 4q21.22.
Variant type: single nucleotide variant.
Coding change: c.263G>A on transcript NM_031372.4 (MANE Select); coding-DNA position 263, G replaced by A.
Protein change: p.Arg88His; replaces arginine 88 with histidine.
Molecular consequence: missense variant. On other transcripts: non-coding transcript variant (1).
Genome position (GRCh38, 1-based): chr4:82,429,428, C>T on the plus strand (G>A on the coding strand, the complement: HNRNPDL is on the minus strand). VCF-style: chr4-82429428-C-T. GRCh37 (hg19) VCF-style: chr4-83350581-C-T.
Other names: c.263G>A, p.Arg88His (NM_001207000.1); short protein forms R88H.
Identifiers: ClinVar variation 3646512 (VCV003646512.2).
Genomic context (GRCh38, chr4:82,429,428, plus strand): 5'-GCAGTCCGGGTCGCGGCAGCAGCGGCGGCGGAGCGTTGTATGGAGCTGGATTTAAAATGG[C>T]GGCGGAAGAGATCCGGGCGCCGCCTGCGCCCTCCCTTTATAGCCGCCCCGCCCGCCAATC-3'
Protein context (NP_112740.1, residues 78-98): GRRRRPDLFR[Arg88His]HFKSSSIQRS

ClinVar aggregate classification (germline): Uncertain significance (1 of 4 stars; one submission).

Conditions:
Autosomal dominant limb-girdle muscular dystrophy type 1G (LGMDD3). Also called: Limb-girdle muscular dystrophy, type 1G; MUSCULAR DYSTROPHY, LIMB-GIRDLE, AUTOSOMAL DOMINANT 3. Identifiers: Orphanet 55596, MedGen C1836765, MONDO:0012193, OMIM 609115.

Submission:

Labcorp Genetics (formerly Invitae), Labcorp
Classification: Uncertain significance for Autosomal dominant limb-girdle muscular dystrophy type 1G. Last evaluated: 2024-11-11. Review status: criteria provided, single submitter. Criteria: Invitae Variant Classification Sherloc (09022015). Collection method: clinical testing. Allele origin: germline.
Comment: This sequence change replaces arginine, which is basic and polar, with histidine, which is basic and polar, at codon 88 of the HNRNPDL protein (p.Arg88His). This variant is not present in population databases (gnomAD no frequency). This variant has not been reported in the literature in individuals affected with HNRNPDL-related conditions. An algorithm developed to predict the effect of missense changes on protein structure and function (PolyPhen-2) suggests that this variant is likely to be disruptive. In summary, the available evidence is currently insufficient to determine the role of this variant in disease. Therefore, it has been classified as a Variant of Uncertain Significance.